The following is an entry in ClinVar:

ClinVar aggregate classification (germline): Uncertain significance (1 of 4 stars; one submission).

Conditions:
Hereditary cancer-predisposing syndrome. Also called: Neoplastic Syndromes, Hereditary; Tumor predisposition; Hereditary Cancer Syndrome; Hereditary neoplastic syndrome. Identifiers: Orphanet 140162, MedGen C0027672, MeSH D009386, MONDO:0015356.

Submission:

Ambry Genetics
Classification: Uncertain significance for Hereditary cancer-predisposing syndrome. Last evaluated: 2025-12-11. Review status: criteria provided, single submitter. Criteria: Ambry Variant Classification Scheme 2023. Collection method: clinical testing. Allele origin: germline.
Comment: The p.A340P variant (also known as c.1018G>C), located in coding exon 7 of the ATM gene, results from a G to C substitution at nucleotide position 1018. The alanine at codon 340 is replaced by proline, an amino acid with highly similar properties. In an assay testing ATM function, this variant showed a functionally normal result (Lee KS et al. Cell, 2025 Sep;188:5081-5099.e27). This amino acid position is highly conserved in available vertebrate species. In addition, this alteration is predicted to be deleterious by in silico analysis. Based on the available evidence, the clinical significance of this variant remains unclear.

Literature cited by the submitters: PubMed 40580951.

NM_000051.4(ATM):c.1018G>C (p.Ala340Pro)

Gene: ATM (ATM serine/threonine kinase; plus strand). Cytogenetic location: 11q22.3.
Variant type: single nucleotide variant.
Coding change: c.1018G>C on transcript NM_000051.4 (MANE Select); coding-DNA position 1018, G replaced by C.
Protein change: p.Ala340Pro; replaces alanine 340 with proline.
Molecular consequence: missense variant.
Genome position (GRCh38, 1-based): chr11:108,247,080, G>C. VCF-style: chr11-108247080-G-C. GRCh37 (hg19) VCF-style: chr11-108117807-G-C.
Other names: c.1018G>C, p.Ala340Pro (NM_001351834.2); short protein forms A340P.
Identifiers: ClinVar variation 4618782 (VCV004618782.1).